The following is an entry in ClinVar:

NM_013275.6(ANKRD11):c.4372_4374del (p.Glu1458del)

Gene: ANKRD11 (ankyrin repeat domain 11; minus strand). Cytogenetic location: 16q24.3.
Variant type: Deletion.
Coding change: c.4372_4374del on transcript NM_013275.6 (MANE Select); coding-DNA positions 4372 to 4374, 3 bases deleted (GAG; older notation c.4372_4374delGAG).
Protein change: p.Glu1458del; deletes glutamic acid 1458.
Molecular consequence: inframe deletion.
Genome position (GRCh38, 1-based): chr16:89,282,168-89,282,170, CTC deleted on the plus strand (GAG on the coding strand, the reverse complement: ANKRD11 is on the minus strand). VCF-style (leftmost placement, unchanged base first): chr16-89282167-TCTC-T. GRCh37 (hg19) VCF-style: chr16-89348575-TCTC-T.
Other names: c.4372_4374del, p.Glu1458del (NM_001256182.2, NM_001256183.2); short protein forms E1458del.
Identifiers: ClinVar variation 3608836 (VCV003608836.2).

ClinVar aggregate classification (germline): Uncertain significance (1 of 4 stars; one submission).

Conditions:
KBG syndrome (KBGS). Also called: ANKRD11-Related KBG Syndrome. Identifiers: Orphanet 2332, MedGen C0220687, MONDO:0007846, OMIM 148050.

Submission:

Labcorp Genetics (formerly Invitae), Labcorp
Classification: Uncertain significance for KBG syndrome. Last evaluated: 2024-12-12. Review status: criteria provided, single submitter. Criteria: Invitae Variant Classification Sherloc (09022015). Collection method: clinical testing. Allele origin: germline.
Comment: This variant, c.4372_4374del, results in the deletion of 1 amino acid(s) of the ANKRD11 protein (p.Glu1458del), but otherwise preserves the integrity of the reading frame. This variant is present in population databases (rs756532411, gnomAD 0.0009%). This variant has not been reported in the literature in individuals affected with ANKRD11-related conditions. Experimental studies and prediction algorithms are not available or were not evaluated, and the functional significance of this variant is currently unknown. In summary, the available evidence is currently insufficient to determine the role of this variant in disease. Therefore, it has been classified as a Variant of Uncertain Significance.